The following is an entry in ClinVar:

ClinVar aggregate classification (germline): Likely benign. Review status: criteria provided, multiple submitters, no conflicts (2 of 4 stars). 3 submissions from 3 submitters: Likely benign (3). Last evaluated 2025-09-04.

Conditions:
Oligodontia-cancer predisposition syndrome. Also called: TOOTH AGENESIS-COLORECTAL CANCER SYNDROME. Identifiers: Orphanet 300576, MedGen C1837750, MONDO:0012075, OMIM 608615. Disease mechanism: loss of function.

Allele frequency attached by ClinVar (database versions not stated): TOPMed below 0.00001; ESP Exome Variant Server 0.00008.

Submissions (3):

Labcorp Genetics (formerly Invitae), Labcorp
Classification: Likely benign for Oligodontia-cancer predisposition syndrome. Last evaluated: 2025-09-04. Review status: criteria provided, single submitter. Criteria: Invitae Variant Classification Sherloc (09022015). Collection method: clinical testing. Allele origin: germline.

Center for Genomic Medicine, Rigshospitalet, Copenhagen University Hospital
Classification: Likely benign. Last evaluated: 2025-03-04. Review status: criteria provided, single submitter. Criteria: ACMG Guidelines, 2015. Collection method: clinical testing. Allele origin: germline.

GeneDx
Classification: Likely benign. Last evaluated: 2017-10-09. Review status: criteria provided, single submitter. Criteria: GeneDx Variant Classification (06012015). Collection method: clinical testing. Allele origin: germline. Affected: yes.
Comment: This variant is considered likely benign or benign based on one or more of the following criteria: it is a conservative change, it occurs at a poorly conserved position in the protein, it is predicted to be benign by multiple in silico algorithms, and/or has population frequency not consistent with disease.

NM_004655.4(AXIN2):c.1712+18C>A

Gene: AXIN2 (axin 2; minus strand). Cytogenetic location: 17q24.1.
Variant type: single nucleotide variant.
Coding change: c.1712+18C>A on transcript NM_004655.4 (MANE Select); 18 bases into the intron after coding-DNA position 1712, C replaced by A.
Molecular consequence: intron variant.
Genome position (GRCh38, 1-based): chr17:65,537,306, G>T on the plus strand (C>A on the coding strand, the complement: AXIN2 is on the minus strand). VCF-style: chr17-65537306-G-T. GRCh37 (hg19) VCF-style: chr17-63533424-G-T.
Other names: c.1712+18C>A (LRG_296t1, NM_001363813.1).
Identifiers: ClinVar variation 512588 (VCV000512588.10), dbSNP rs370314874, ClinGen allele CA293098148.